The following is an entry in ClinVar:

ClinVar aggregate classification (germline): Uncertain significance (1 of 4 stars; one submission).

gnomAD v4.1: 48 of 1,613,680 alleles (0.003%); highest among the groups gnomAD compares: Admixed American, 0.015%; no homozygotes.

Submission:

CeGaT Center for Human Genetics Tuebingen
Classification: Uncertain significance. Last evaluated: 2024-08-01. Review status: criteria provided, single submitter. Criteria: CeGaT Center For Human Genetics Tuebingen Variant Classification Criteria Version 2. Collection method: clinical testing. Allele origin: germline. Affected: yes. Observed: 1 variant allele.
Comment: ITPR3: PP3

NM_002224.4(ITPR3):c.4005C>A (p.Phe1335Leu)

Gene: ITPR3 (inositol 1,4,5-trisphosphate receptor type 3; plus strand). Cytogenetic location: 6p21.31.
Variant type: single nucleotide variant.
Coding change: c.4005C>A on transcript NM_002224.4 (MANE Select); coding-DNA position 4005, C replaced by A.
Protein change: p.Phe1335Leu; replaces phenylalanine 1335 with leucine.
Molecular consequence: missense variant.
Genome position (GRCh38, 1-based): chr6:33,679,914, C>A. VCF-style: chr6-33679914-C-A. GRCh37 (hg19) VCF-style: chr6-33647691-C-A.
Other names: short protein forms F1335L.
Identifiers: ClinVar variation 3341679 (VCV003341679.16).